The following is an entry in ClinVar:

ClinVar aggregate classification (germline): Uncertain significance (1 of 4 stars; one submission).

Submission:

Labcorp Genetics (formerly Invitae), Labcorp
Classification: Uncertain significance. Last evaluated: 2025-04-17. Review status: criteria provided, single submitter. Criteria: Invitae Variant Classification Sherloc (09022015). Collection method: clinical testing. Allele origin: germline.
Comment: This sequence change falls in intron 7 of the CD151 gene. It does not directly change the encoded amino acid sequence of the CD151 protein. This variant is not present in population databases (gnomAD no frequency). This variant has not been reported in the literature in individuals affected with CD151-related conditions. Experimental studies and prediction algorithms are not available or were not evaluated, and the effect of this variant on mRNA splicing is currently unknown. In summary, the available evidence is currently insufficient to determine the role of this variant in disease. Therefore, it has been classified as a Variant of Uncertain Significance.

NM_004357.5(CD151):c.616-42_616-11del

Gene: CD151 (CD151 molecule (Raph blood group); plus strand). Cytogenetic location: 11p15.5.
Variant type: Deletion.
Coding change: c.616-42_616-11del on transcript NM_004357.5 (MANE Select); 42 bases into the intron before coding-DNA position 616 through 11 bases into the intron before coding-DNA position 616, 32 bases deleted.
Molecular consequence: intron variant.
Genome position (GRCh38, 1-based): chr11:837,900-837,931, 32 bases deleted; deleting any 32 consecutive bases within chr11:837,899-837,931 gives the same sequence; the c. name uses the placement nearest the transcript's 3' end. GRCh37 (hg19): chr11:837,900-837,931.
Other names: c.616-42_616-11del (NM_139030.4, NM_139029.2, NM_001039490.2).
Identifiers: ClinVar variation 4717794 (VCV004717794.1).